The following is an entry in ClinVar:

NM_000359.3(TGM1):c.464G>C (p.Arg155Pro)

Gene: TGM1 (transglutaminase 1; minus strand). Cytogenetic location: 14q12.
Variant type: single nucleotide variant.
Coding change: c.464G>C on transcript NM_000359.3 (MANE Select); coding-DNA position 464, G replaced by C.
Protein change: p.Arg155Pro; replaces arginine 155 with proline.
Molecular consequence: missense variant.
Genome position (GRCh38, 1-based): chr14:24,261,739, C>G on the plus strand (G>C on the coding strand, the complement: TGM1 is on the minus strand). VCF-style: chr14-24261739-C-G. GRCh37 (hg19) VCF-style: chr14-24730945-C-G.
Other names: short protein forms R155P.
Identifiers: ClinVar variation 991822 (VCV000991822.4), dbSNP rs374574340, ClinGen allele CA257901433.

ClinVar aggregate classification (germline): Uncertain significance. Review status: criteria provided, single submitter (1 of 4 stars). 2 submissions from 2 submitters: Uncertain significance (1). 1 of the submissions does not count toward it. Last evaluated 2022-12-24.

Conditions:
Autosomal recessive congenital ichthyosis 1 (LI1). Also called: COLLODION FETUS; DESQUAMATION OF NEWBORN; ICHTHYOSIS CONGENITA; ICHTHYOSIS CONGENITA II; LAMELLAR EXFOLIATION OF NEWBORN; ICHTHYOSIS, CONGENITAL, AUTOSOMAL RECESSIVE 1, WITH OR WITHOUT BATHING SUIT DISTRIBUTION. Identifiers: MedGen C4551630, MONDO:0009441, OMIM 242300.

Submissions (2):

Labcorp Genetics (formerly Invitae), Labcorp
Classification: Uncertain significance. Last evaluated: 2022-12-24. Review status: criteria provided, single submitter. Criteria: Invitae Variant Classification Sherloc (09022015). Collection method: clinical testing. Allele origin: germline.
Comment: This sequence change replaces arginine, which is basic and polar, with proline, which is neutral and non-polar, at codon 155 of the TGM1 protein (p.Arg155Pro). This variant is not present in population databases (gnomAD no frequency). This missense change has been observed in individual(s) with TGM1-related conditions (Invitae). ClinVar contains an entry for this variant (Variation ID: 991822). Algorithms developed to predict the effect of missense changes on protein structure and function (SIFT, PolyPhen-2, Align-GVGD) all suggest that this variant is likely to be disruptive. In summary, the available evidence is currently insufficient to determine the role of this variant in disease. Therefore, it has been classified as a Variant of Uncertain Significance.

Natera, Inc.
Classification: Uncertain significance for Autosomal recessive congenital ichthyosis type 1. Last evaluated: 2020-04-19. Review status: no assertion criteria provided. Collection method: clinical testing. Allele origin: germline. Not counted in ClinVar's aggregate classification.